The following is an entry in ClinVar:

ClinVar aggregate classification (germline): Likely benign (1 of 4 stars; one submission).

Allele frequency attached by ClinVar (database versions not stated): 1000 Genomes Project 30x 0.00359; gnomAD 0.00379 and 0.00416; 1000 Genomes Project 0.00399; TOPMed 0.00418.

Submission:

GeneDx
Classification: Likely benign. Last evaluated: 2018-06-14. Review status: criteria provided, single submitter. Criteria: GeneDx Variant Classification (06012015). Collection method: clinical testing. Allele origin: germline. Affected: yes.
Comment: This variant is considered likely benign or benign based on one or more of the following criteria: it is a conservative change, it occurs at a poorly conserved position in the protein, it is predicted to be benign by multiple in silico algorithms, and/or has population frequency not consistent with disease.

NM_144628.4(TBC1D20):c.338-154C>T

Gene: TBC1D20 (TBC1 domain family member 20; minus strand). Cytogenetic location: 20p13.
Variant type: single nucleotide variant.
Coding change: c.338-154C>T on transcript NM_144628.4 (MANE Select); 154 bases into the intron before coding-DNA position 338, C replaced by T.
Molecular consequence: intron variant.
Genome position (GRCh38, 1-based): chr20:442,197, G>A on the plus strand (C>T on the coding strand, the complement: TBC1D20 is on the minus strand). VCF-style: chr20-442197-G-A. GRCh37 (hg19) VCF-style: chr20-422841-G-A.
Identifiers: ClinVar variation 672678 (VCV000672678.1), dbSNP rs151265048, ClinGen allele CA310628925.